The following is an entry in ClinVar:

NM_001378120.1(MBD5):c.2519-19T>G

Gene: MBD5 (methyl-CpG binding domain protein 5; plus strand). Cytogenetic location: 2q23.1.
Variant type: single nucleotide variant.
Coding change: c.2519-19T>G on transcript NM_001378120.1 (MANE Select); 19 bases into the intron before coding-DNA position 2519, T replaced by G.
Molecular consequence: intron variant.
Genome position (GRCh38, 1-based): chr2:148,483,091, T>G. VCF-style: chr2-148483091-T-G. GRCh37 (hg19) VCF-style: chr2-149240660-T-G.
Other names: c.2519-19T>G (NM_018328.5).
Identifiers: ClinVar variation 511320 (VCV000511320.2), dbSNP rs200810831, ClinGen allele CA1900176.

ClinVar aggregate classification (germline): Likely benign. Review status: criteria provided, multiple submitters, no conflicts (2 of 4 stars). 2 submissions from 2 submitters: Likely benign (2). Last evaluated 2025-04-14.

Conditions:
Intellectual developmental disorder, autosomal dominant 1. Also called: MBD5 Haploinsufficiency; Intellectual disability, autosomal dominant 1. Identifiers: Orphanet 228402, MedGen C1969562, MONDO:0007974, OMIM 156200.

Allele frequency attached by ClinVar (database versions not stated): gnomAD exomes 0.00001 and below 0.00001; ExAC 0.00002.
gnomAD v4.1: 6 of 1,530,858 alleles (0.00039%); highest among the groups gnomAD compares: South Asian, 0.0035%; no homozygotes.

Submissions (2):

Labcorp Genetics (formerly Invitae), Labcorp
Classification: Likely benign for Intellectual developmental disorder, autosomal dominant 1. Last evaluated: 2025-04-14. Review status: criteria provided, single submitter. Criteria: Invitae Variant Classification Sherloc (09022015). Collection method: clinical testing. Allele origin: germline.

GeneDx
Classification: Likely benign. Last evaluated: 2017-08-01. Review status: criteria provided, single submitter. Criteria: GeneDx Variant Classification (06012015). Collection method: clinical testing. Allele origin: germline. Affected: yes.
Comment: This variant is considered likely benign or benign based on one or more of the following criteria: it is a conservative change, it occurs at a poorly conserved position in the protein, it is predicted to be benign by multiple in silico algorithms, and/or has population frequency not consistent with disease.